The following is an entry in ClinVar:

NM_001009944.3(PKD1):c.8802G>A (p.Leu2934=)

Gene: PKD1 (polycystin 1, transient receptor potential channel interacting; minus strand). Cytogenetic location: 16p13.3.
Variant type: single nucleotide variant.
Coding change: c.8802G>A on transcript NM_001009944.3 (MANE Select); coding-DNA position 8802, G replaced by A.
Protein change: p.Leu2934=; no amino-acid change (leucine 2934 retained).
Molecular consequence: synonymous variant.
Genome position (GRCh38, 1-based): chr16:2,102,960, C>T on the plus strand (G>A on the coding strand, the complement: PKD1 is on the minus strand). VCF-style: chr16-2102960-C-T. GRCh37 (hg19) VCF-style: chr16-2152961-C-T.
Other names: c.8802G>A, p.Leu2934= (NM_000296.4).
Identifiers: ClinVar variation 3901581 (VCV003901581.1).

ClinVar aggregate classification (germline): Uncertain significance (1 of 4 stars; one submission).

gnomAD v4.1: 8 of 1,605,270 alleles (0.0005%); highest among the groups gnomAD compares: African/African-American, 0.004%; no homozygotes.

Submission:

GeneDx
Classification: Uncertain significance. Last evaluated: 2024-12-04. Review status: criteria provided, single submitter. Criteria: GeneDx Variant Classification Process June 2021. Collection method: clinical testing. Allele origin: germline. Affected: yes.
Comment: Not observed at significant frequency in large population cohorts (gnomAD); In silico analysis indicates that this variant does not alter splicing; Has not been previously published as pathogenic or benign to our knowledge